The following is an entry in ClinVar:

ClinVar aggregate classification (germline): Uncertain significance (1 of 4 stars; one submission).

Allele frequency attached by ClinVar (database versions not stated): TOPMed below 0.00001.
gnomAD v4.1: 12 of 1,614,018 alleles (0.00074%); highest among the groups gnomAD compares: Middle Eastern, 0.016%; no homozygotes.

Submission:

Labcorp Genetics (formerly Invitae), Labcorp
Classification: Uncertain significance. Last evaluated: 2022-07-26. Review status: criteria provided, single submitter. Criteria: Invitae Variant Classification Sherloc (09022015). Collection method: clinical testing. Allele origin: germline.
Comment: This sequence change replaces valine, which is neutral and non-polar, with isoleucine, which is neutral and non-polar, at codon 291 of the EIF2B5 protein (p.Val291Ile). This variant is not present in population databases (gnomAD no frequency). This variant has not been reported in the literature in individuals affected with EIF2B5-related conditions. Advanced modeling of protein sequence and biophysical properties (such as structural, functional, and spatial information, amino acid conservation, physicochemical variation, residue mobility, and thermodynamic stability) performed at Invitae indicates that this missense variant is not expected to disrupt EIF2B5 protein function. In summary, the available evidence is currently insufficient to determine the role of this variant in disease. Therefore, it has been classified as a Variant of Uncertain Significance.

NM_003907.3(EIF2B5):c.871G>A (p.Val291Ile)

Gene: EIF2B5 (eukaryotic translation initiation factor 2B subunit epsilon; plus strand). Cytogenetic location: 3q27.1.
Variant type: single nucleotide variant.
Coding change: c.871G>A on transcript NM_003907.3 (MANE Select); coding-DNA position 871, G replaced by A.
Protein change: p.Val291Ile; replaces valine 291 with isoleucine.
Molecular consequence: missense variant.
Genome position (GRCh38, 1-based): chr3:184,140,445, G>A. VCF-style: chr3-184140445-G-A. GRCh37 (hg19) VCF-style: chr3-183858233-G-A.
Other names: short protein forms V291I.
Identifiers: ClinVar variation 2162348 (VCV002162348.1), dbSNP rs781216603, ClinGen allele CA88842851.
Genomic context (GRCh38, chr3:184,140,445, plus strand): 5'-TGCTTAGGTGACCTCCCTTTCCTTCTCATTCAGATCCTAGGGAACCAGATCCACATGCAC[G>A]TAACAGCTAAGGAATATGGTGCCCGTGTCTCCAACCTACACATGTACTCAGCTGTCTGTG-3'
Protein context (NP_003898.2, residues 281-301): EILGNQIHMH[Val291Ile]TAKEYGARVS